The following is an entry in ClinVar:

ClinVar aggregate classification (germline): Likely pathogenic (1 of 4 stars; one submission).

Conditions:
Multiple sulfatase deficiency (MSD). Also called: Mucosulfatidosis; Multiple Sulfatase Deficiency Disease; Sulfatidosis, Juvenile, Austin Type. Identifiers: Orphanet 585, MedGen C0268263, MONDO:0010088, OMIM 272200.

Submission:

Labcorp Genetics (formerly Invitae), Labcorp
Classification: Likely pathogenic for Multiple sulfatase deficiency. Last evaluated: 2021-07-09. Review status: criteria provided, single submitter. Criteria: Invitae Variant Classification Sherloc (09022015). Collection method: clinical testing. Allele origin: germline.
Comment: This variant is a gross deletion of the genomic region encompassing exon(s) 2-7 of the SUMF1 gene. This variant would be expected to be in-frame, preserving the integrity of the reading frame. This variant has not been reported in the literature in individuals with SUMF1-related conditions. This variant disrupts the p.Ala279 amino acid residue in SUMF1. Other variant(s) that disrupt this residue have been determined to be pathogenic (PMID: 15146462, 18157819, 21224894, 25885655). This suggests that this residue is clinically significant, and that variants that disrupt this residue are likely to be disease-causing. In summary, the currently available evidence indicates that the variant is pathogenic, but additional data are needed to prove that conclusively. Therefore, this variant has been classified as Likely Pathogenic.

Literature cited by the submitters: PubMed 15146462; PubMed 18157819; PubMed 21224894; PubMed 25885655.

NC_000003.11:g.(?_4452529)_(4494753_?)del

Gene: SUMF1 (sulfatase modifying factor 1; minus strand). Cytogenetic location: 3p26.1.
Variant type: Deletion.
Identifiers: ClinVar variation 1348634 (VCV001348634.6).